The following is an entry in ClinVar:

ClinVar aggregate classification (germline): Pathogenic (1 of 4 stars; one submission).

Submission:

GeneDx
Classification: Pathogenic. Last evaluated: 2016-08-22. Review status: criteria provided, single submitter. Criteria: GeneDx Variant Classification (06012015). Collection method: clinical testing. Allele origin: germline. Affected: yes.
Comment: The P212H pathogenic variant in the DDX3X gene has not been reported previously as a pathogenic variant nor as a benign variant, to our knowledge. The P212H variant was not observed in approximately 6400 individuals of European and African American ancestry in the NHLBI Exome Sequencing Project, indicating it is not a common benign variant in these populations. The P212H variant is a non-conservative amino acid substitution, which is likely to impact secondary protein structure as these residues differ in polarity, charge, size and/or other properties. This substitution occurs in the helicase ATP-binding domain at a position that is conserved across species. In silico analysis predicts this variant is probably damaging to the protein structure/function. We interpret P212H as a pathogenic variant.

NM_001356.5(DDX3X):c.635C>A (p.Pro212His)

Gene: DDX3X (DEAD-box helicase 3 X-linked; plus strand). Cytogenetic location: Xp11.4.
Variant type: single nucleotide variant.
Coding change: c.635C>A on transcript NM_001356.5 (MANE Select); coding-DNA position 635, C replaced by A.
Protein change: p.Pro212His; replaces proline 212 with histidine.
Molecular consequence: missense variant. On other transcripts: non-coding transcript variant (1).
Genome position (GRCh38, 1-based): chrX:41,343,307, C>A. VCF-style: chrX-41343307-C-A. GRCh37 (hg19) VCF-style: chrX-41202560-C-A.
Other names: c.635C>A, p.Pro212His (NM_001193416.3); c.587C>A, p.Pro196His (NM_001193417.3); c.77C>A, p.Pro26His (NM_001363819.1); short protein forms P212H, P196H, P26H.
Identifiers: ClinVar variation 265672 (VCV000265672.2), dbSNP rs886039719, ClinGen allele CA10588780.